The following is an entry in ClinVar:

NM_005739.4(RASGRP1):c.220+5344G>A

Gene: RASGRP1 (RAS guanyl releasing protein 1; minus strand). Cytogenetic location: 15q14.
Variant type: single nucleotide variant.
Coding change: c.220+5344G>A on transcript NM_005739.4 (MANE Select); 5344 bases into the intron after coding-DNA position 220, G replaced by A.
Molecular consequence: intron variant.
Genome position (GRCh38, 1-based): chr15:38,554,477, C>T on the plus strand (G>A on the coding strand, the complement: RASGRP1 is on the minus strand). VCF-style: chr15-38554477-C-T. GRCh37 (hg19) VCF-style: chr15-38846678-C-T.
Other names: c.220+5344G>A (NM_001306086.2, NM_001128602.2).
Identifiers: ClinVar variation 1264694 (VCV001264694.2), dbSNP rs7170151, ClinGen allele CA14077143.

ClinVar aggregate classification (germline): Benign (1 of 4 stars; one submission).

Allele frequency attached by ClinVar (database versions not stated): gnomAD 0.39671 and 0.39773; TOPMed 0.41249; 1000 Genomes Project 0.47664; 1000 Genomes Project 30x 0.47954.
gnomAD v4.1: 60,074 of 151,930 alleles (40%); highest among the groups gnomAD compares: African/African-American, 62%; 13,721 homozygotes.

Submission:

GeneDx
Classification: Benign. Last evaluated: 2019-10-17. Review status: criteria provided, single submitter. Criteria: GeneDx Variant Classification Process June 2021. Collection method: clinical testing. Allele origin: germline. Affected: yes.
Comment: This variant is associated with the following publications: (PMID: 31164884)